The following is an entry in ClinVar:

NM_001845.6(COL4A1):c.1292T>C (p.Ile431Thr)

Genes: COL4A1 (collagen type IV alpha 1 chain; minus strand), LOC126861856 (BRD4-independent group 4 enhancer GRCh37_chr13:110846747-110847946; plus strand). Cytogenetic location: 13q34.
Variant type: single nucleotide variant.
Coding change: c.1292T>C on transcript NM_001845.6 (MANE Select); coding-DNA position 1292, T replaced by C.
Protein change: p.Ile431Thr; replaces isoleucine 431 with threonine.
Molecular consequence: missense variant.
Genome position (GRCh38, 1-based): chr13:110,195,112, A>G on the plus strand (T>C on the coding strand, the complement: COL4A1 is on the minus strand). VCF-style: chr13-110195112-A-G. GRCh37 (hg19) VCF-style: chr13-110847459-A-G.
Other names: c.1292T>C, p.Ile431Thr (NM_001303110.2); short protein forms I431T.
Identifiers: ClinVar variation 1395658 (VCV001395658.6), dbSNP rs1878828642, ClinGen allele CA388723851.

ClinVar aggregate classification (germline): Uncertain significance (1 of 4 stars; one submission).

Submission:

Labcorp Genetics (formerly Invitae), Labcorp
Classification: Uncertain significance. Last evaluated: 2022-09-07. Review status: criteria provided, single submitter. Criteria: Invitae Variant Classification Sherloc (09022015). Collection method: clinical testing. Allele origin: germline.
Comment: In summary, the available evidence is currently insufficient to determine the role of this variant in disease. Therefore, it has been classified as a Variant of Uncertain Significance. Advanced modeling of protein sequence and biophysical properties (such as structural, functional, and spatial information, amino acid conservation, physicochemical variation, residue mobility, and thermodynamic stability) performed at Invitae indicates that this missense variant is not expected to disrupt COL4A1 protein function. ClinVar contains an entry for this variant (Variation ID: 1395658). This variant has not been reported in the literature in individuals affected with COL4A1-related conditions. This variant is not present in population databases (gnomAD no frequency). This sequence change replaces isoleucine, which is neutral and non-polar, with threonine, which is neutral and polar, at codon 431 of the COL4A1 protein (p.Ile431Thr).